The following is an entry in ClinVar:

NM_006796.3(AFG3L2):c.1165-15T>C

Gene: AFG3L2 (AFG3 like matrix AAA peptidase subunit 2; minus strand). Cytogenetic location: 18p11.21.
Variant type: single nucleotide variant.
Coding change: c.1165-15T>C on transcript NM_006796.3 (MANE Select); 15 bases into the intron before coding-DNA position 1165, T replaced by C.
Molecular consequence: intron variant.
Genome position (GRCh38, 1-based): chr18:12,353,173, A>G on the plus strand (T>C on the coding strand, the complement: AFG3L2 is on the minus strand). VCF-style: chr18-12353173-A-G. GRCh37 (hg19) VCF-style: chr18-12353172-A-G.
Identifiers: ClinVar variation 2637608 (VCV002637608.1), dbSNP rs780671367, ClinGen allele CA8896568.
Genomic context (GRCh38, chr18:12,353,173, plus strand): 5'-GGATGCAAGGGGCATTCTTCCGAGCAAGGGCAAATAAGTCTCGGACCTTGGCAAAAACAG[A>G]AAGAGAGTCACCTGACCAGAGAATATTATGTATTCTCTGAATAAGAAATGAAATAAATCG-3'

ClinVar aggregate classification (germline): Likely benign (1 of 4 stars; one submission).

Allele frequency attached by ClinVar (database versions not stated): ExAC 0.00001.
gnomAD v4.1: 5 of 1,613,682 alleles (0.00031%); highest among the groups gnomAD compares: South Asian, 0.0011%; no homozygotes.

Submission:

Women's Health and Genetics/Laboratory Corporation of America, LabCorp
Classification: Likely benign. Last evaluated: 2023-10-05. Review status: criteria provided, single submitter. Criteria: LabCorp Variant Classification Summary - May 2015. Collection method: clinical testing. Allele origin: germline.
Comment: Variant summary: AFG3L2 c.1165-15T>C alters a non-conserved nucleotide located at a position not widely known to affect splicing. Consensus agreement among computation tools predict no significant impact on normal splicing. However, these predictions have yet to be confirmed by functional studies. The variant was absent in 250996 control chromosomes (gnomAD). The available data on variant occurrences in the general population are insufficient to allow any conclusion about variant significance. To our knowledge, no occurrence of c.1165-15T>C in individuals affected with Spinocerebellar Ataxia Type 28 and no experimental evidence demonstrating its impact on protein function have been reported. No submitters have cited clinical-significance assessments for this variant to ClinVar after 2014. Based on the evidence outlined above, the variant was classified as likely benign.